The following is an entry in ClinVar:

ClinVar aggregate classification (germline): Uncertain significance. Review status: criteria provided, multiple submitters, no conflicts (2 of 4 stars). 2 submissions from 2 submitters: Uncertain significance (2). Last evaluated 2024-03-08.

Allele frequency attached by ClinVar (database versions not stated): gnomAD exomes 0.00001; TOPMed 0.00002; ExAC 0.00003.
gnomAD v4.1: 13 of 1,612,998 alleles (0.00081%); highest among the groups gnomAD compares: South Asian, 0.0088%; no homozygotes.

Submissions (2):

GeneDx
Classification: Uncertain significance. Last evaluated: 2024-03-08. Review status: criteria provided, single submitter. Criteria: GeneDx Variant Classification Process June 2021. Collection method: clinical testing. Allele origin: germline. Affected: yes.
Comment: In silico analysis supports that this missense variant does not alter protein structure/function; Has not been previously published as pathogenic or benign to our knowledge

Ambry Genetics
Classification: Uncertain significance. Last evaluated: 2023-03-07. Review status: criteria provided, single submitter. Criteria: Ambry Variant Classification Scheme 2023. Collection method: clinical testing. Allele origin: germline.

NM_032575.3(GLIS2):c.215G>A (p.Arg72His)

Gene: GLIS2 (GLIS family zinc finger 2; plus strand). Cytogenetic location: 16p13.3.
Variant type: single nucleotide variant.
Coding change: c.215G>A on transcript NM_032575.3 (MANE Select); coding-DNA position 215, G replaced by A.
Protein change: p.Arg72His; replaces arginine 72 with histidine.
Molecular consequence: missense variant.
Genome position (GRCh38, 1-based): chr16:4,333,389, G>A. VCF-style: chr16-4333389-G-A. GRCh37 (hg19) VCF-style: chr16-4383390-G-A.
Other names: c.215G>A, p.Arg72His (NM_001318918.2); short protein forms R72H.
Identifiers: ClinVar variation 2470450 (VCV002470450.3), dbSNP rs758270100, ClinGen allele CA7872943.
Genomic context (GRCh38, chr16:4,333,389, plus strand): 5'-ACTGTGCCTCTCCCTCAGGCTTCCTGCTGAACTCCAAGTTCCCCGAGAAGGTGGAGGGAC[G>A]CTTTTCAGCAGCCCCTCTCGTGGACCTCAGCCTGTCACCACCATCTGGGCTGGACTCCCC-3'
Protein context (NP_115964.2, residues 62-82): NSKFPEKVEG[Arg72His]FSAAPLVDLS